The following is an entry in ClinVar:

NM_153704.6(TMEM67):c.2596dup (p.Thr866fs)

Gene: TMEM67 (transmembrane protein 67; plus strand). Cytogenetic location: 8q22.1.
Variant type: Duplication.
Coding change: c.2596dup on transcript NM_153704.6 (MANE Select); coding-DNA position 2596, one base duplicated (A; older notation c.2596dupA).
Protein change: p.Thr866fs; shifts the reading frame from threonine 866.
Molecular consequence: frameshift variant. On other transcripts: non-coding transcript variant (1).
Genome position (GRCh38, 1-based): chr8:93,809,096, A duplicated. VCF-style (leftmost placement, unchanged base first): chr8-93809095-T-TA. GRCh37 (hg19) VCF-style: chr8-94821323-T-TA.
Other names: c.2353dup, p.Thr785fs (NM_001142301.1); short protein forms T785fs, T866fs.
Identifiers: ClinVar variation 3755281 (VCV003755281.2).

ClinVar aggregate classification (germline): Pathogenic (1 of 4 stars; one submission).

Conditions:
Joubert syndrome. Also called: CEREBELLOPARENCHYMAL DISORDER IV; JOUBERT-BOLTSHAUSER SYNDROME; Familial aplasia of the vermis. Identifiers: Orphanet 475, MedGen C5979921, MONDO:0018772.
Meckel-Gruber syndrome. Also called: DYSENCEPHALIA SPLANCHNOCYSTICA; GRUBER SYNDROME; Dysencephalia splachnocystica. Identifiers: Orphanet 564, MedGen C0265215, MONDO:0018921.

Submission:

Labcorp Genetics (formerly Invitae), Labcorp
Classification: Pathogenic for Joubert syndrome; Meckel-Gruber syndrome. Last evaluated: 2024-03-13. Review status: criteria provided, single submitter. Criteria: Invitae Variant Classification Sherloc (09022015). Collection method: clinical testing. Allele origin: germline.
Comment: This sequence change creates a premature translational stop signal (p.Thr866Asnfs*3) in the TMEM67 gene. It is expected to result in an absent or disrupted protein product. Loss-of-function variants in TMEM67 are known to be pathogenic (PMID: 20232449, 23559409). This variant is not present in population databases (gnomAD no frequency). This variant has not been reported in the literature in individuals affected with TMEM67-related conditions. Algorithms developed to predict the effect of sequence changes on RNA splicing suggest that this variant may disrupt the consensus splice site. For these reasons, this variant has been classified as Pathogenic.

Literature cited by the submitters: PubMed 20232449; PubMed 23559409.